The following is an entry in ClinVar:

ClinVar aggregate classification (germline): Uncertain significance. Review status: reviewed by expert panel (3 of 4 stars). 3 submissions from 3 submitters: Uncertain significance (1). 2 of the submissions do not count toward it. Last evaluated 2025-05-02.

Conditions:
Hereditary thrombocytopenia and hematologic cancer predisposition syndrome. Identifiers: Orphanet 71290, MedGen CN281654, MONDO:0011071.
Inborn genetic diseases. Identifiers: MedGen C0950123, MeSH D030342.
Hereditary thrombocytopenia and hematological cancer predisposition syndrome associated with RUNX1. Also called: Familial Platelet Disorder with Propensity to Acute Myelogenous Leukemia; Familial thrombocytopenia with propensity to acute myelogenous leukemia; PLATELET DISORDER, ASPIRIN-LIKE; RUNX1 Familial Platelet Disorder with Associated Myeloid Malignancies. Identifiers: Orphanet 71290, MedGen C1832388, MeSH C563324, MONDO:0100083, OMIM 601399.

gnomAD v4.1: 1 of 1,614,136 alleles (0.000062%); highest among the groups gnomAD compares: Non-Finnish European, 0.000085%; no homozygotes.

Submissions (3):

ClinGen Myeloid Malignancy Variant Curation Expert Panel
Classification: Uncertain significance for Hereditary thrombocytopenia and hematologic cancer predisposition syndrome. Last evaluated: 2025-05-02. Review status: reviewed by expert panel. Criteria: ClinGen MyeloMalig ACMG Specifications v2. Collection method: curation. Allele origin: germline. Inheritance: Autosomal dominant inheritance.
Comment: NM_001754.5(RUNX1):c.859T>C (p.Tyr287His) is a missense variant which is completely absent from all population databases with at least 20x coverage for RUNX1 (PM2_supporting). In summary, the clinical significance of this variant is uncertain. ACMG/AMP criteria applied, as specified by the Myeloid Malignancy Variant Curation Expert Panel for RUNX1: PM2_supporting.

Ambry Genetics
Classification: Uncertain significance for Inborn genetic diseases. Last evaluated: 2024-12-28. Review status: criteria provided, single submitter. Criteria: Ambry Variant Classification Scheme 2023. Collection method: clinical testing. Allele origin: germline. Not counted in ClinVar's aggregate classification.
Comment: The p.Y287H variant (also known as c.859T>C), located in coding exon 7 of the RUNX1 gene, results from a T to C substitution at nucleotide position 859. The tyrosine at codon 287 is replaced by histidine, an amino acid with similar properties. This amino acid position is conserved. In addition, this alteration is predicted to be deleterious by in silico analysis. Based on the available evidence, the clinical significance of this variant remains unclear.

Labcorp Genetics (formerly Invitae), Labcorp
Classification: Uncertain significance for Hereditary thrombocytopenia and hematological cancer predisposition syndrome associated with RUNX1. Last evaluated: 2024-07-15. Review status: criteria provided, single submitter. Criteria: Invitae Variant Classification Sherloc (09022015). Collection method: clinical testing. Allele origin: germline. Not counted in ClinVar's aggregate classification.
Comment: This sequence change replaces tyrosine, which is neutral and polar, with histidine, which is basic and polar, at codon 287 of the RUNX1 protein (p.Tyr287His). This variant is not present in population databases (gnomAD no frequency). This variant has not been reported in the literature in individuals affected with RUNX1-related conditions. Advanced modeling of protein sequence and biophysical properties (such as structural, functional, and spatial information, amino acid conservation, physicochemical variation, residue mobility, and thermodynamic stability) performed at Invitae indicates that this missense variant is not expected to disrupt RUNX1 protein function with a negative predictive value of 80%. In summary, the available evidence is currently insufficient to determine the role of this variant in disease. Therefore, it has been classified as a Variant of Uncertain Significance.

NM_001754.5(RUNX1):c.859T>C (p.Tyr287His)

Gene: RUNX1 (RUNX family transcription factor 1; minus strand). Cytogenetic location: 21q22.12.
Variant type: single nucleotide variant.
Coding change: c.859T>C on transcript NM_001754.5 (MANE Select); coding-DNA position 859, T replaced by C.
Protein change: p.Tyr287His; replaces tyrosine 287 with histidine.
Molecular consequence: missense variant.
Genome position (GRCh38, 1-based): chr21:34,799,409, A>G on the plus strand (T>C on the coding strand, the complement: RUNX1 is on the minus strand). VCF-style: chr21-34799409-A-G. GRCh37 (hg19) VCF-style: chr21-36171706-A-G.
Other names: NM_001754.5(RUNX1):c.859T>C; p.Tyr287His; c.778T>C, p.Tyr260His (NM_001001890.3); short protein forms Y260H, Y287H.
Identifiers: ClinVar variation 3693271 (VCV003693271.4).